The following is an entry in ClinVar:

ClinVar aggregate classification (germline): Benign. Review status: criteria provided, multiple submitters, no conflicts (2 of 4 stars). 6 submissions from 6 submitters: Benign (6). Last evaluated 2026-02-03.

Conditions:
Retinitis pigmentosa (RP). Identifiers: Orphanet 791, MedGen C0035334, MeSH D012174, MONDO:0019200, OMIM 268000. Inheritance: Autosomal dominant, autosomal recessive and X linked inheritance.
Retinitis pigmentosa 38 (RP38). Also called: ROD-CONE DYSTROPHY, CHILDHOOD-ONSET. Identifiers: Orphanet 791, MedGen C3151228, MONDO:0013469, OMIM 613862.

Allele frequency attached by ClinVar (database versions not stated): 1000 Genomes Project 30x 0.51343; 1000 Genomes Project 0.51478; TOPMed 0.56090; ExAC 0.58446; ESP Exome Variant Server 0.58465; gnomAD exomes 0.58627.
gnomAD v4.1: 974,508 of 1,613,036 alleles (60%); highest among the groups gnomAD compares: Admixed American, 62%; 298,788 homozygotes.

Submissions (6):

Labcorp Genetics (formerly Invitae), Labcorp
Classification: Benign. Last evaluated: 2026-02-03. Review status: criteria provided, single submitter. Criteria: Invitae Variant Classification Sherloc (09022015). Collection method: clinical testing. Allele origin: germline.

Blueprint Genetics
Classification: Benign. Last evaluated: 2024-11-26. Review status: criteria provided, single submitter. Criteria: ACMG Guidelines, 2015. Collection method: clinical testing. Allele origin: germline.

Genome-Nilou Lab
Classification: Benign for Retinitis pigmentosa 38. Last evaluated: 2021-09-05. Review status: criteria provided, single submitter. Criteria: ACMG Guidelines, 2015. Collection method: clinical testing. Allele origin: germline. Affected: no.

GeneDx
Classification: Benign. Last evaluated: 2019-02-18. Review status: criteria provided, single submitter. Criteria: GeneDx Variant Classification Process June 2021. Collection method: clinical testing. Allele origin: germline. Affected: yes.

Illumina Laboratory Services, Illumina
Classification: Benign for Retinitis pigmentosa. Last evaluated: 2018-01-13. Review status: criteria provided, single submitter. Criteria: ICSL Variant Classification Criteria 13 December 2019. Collection method: clinical testing. Allele origin: germline.
Comment: This variant was observed in the ICSL laboratory as part of a predisposition screen in an ostensibly healthy population. It had not been previously curated by ICSL or reported in the Human Gene Mutation Database (HGMD: prior to June 1st, 2018), and was therefore a candidate for classification through an automated scoring system. Utilizing variant allele frequency, disease prevalence and penetrance estimates, and inheritance mode, an automated score was calculated to assess if this variant is too frequent to cause the disease. Based on the score and internal cut-off values, a variant classified as benign is not then subjected to further curation. The score for this variant resulted in a classification of benign for this disease.

Breakthrough Genomics
Classification: Benign. Review status: criteria provided, single submitter. Criteria: ACMG Guidelines, 2015. Collection method: not provided. Allele origin: germline. Inheritance: Autosomal recessive inheritance. Affected: yes.

NM_006343.3(MERTK):c.757+13T>C

Gene: MERTK (MER proto-oncogene, tyrosine kinase; plus strand). Cytogenetic location: 2q13.
Variant type: single nucleotide variant.
Coding change: c.757+13T>C on transcript NM_006343.3 (MANE Select); 13 bases into the intron after coding-DNA position 757, T replaced by C.
Molecular consequence: intron variant.
Genome position (GRCh38, 1-based): chr2:111,947,580, T>C. VCF-style: chr2-111947580-T-C. GRCh37 (hg19) VCF-style: chr2-112705157-T-C.
Identifiers: ClinVar variation 330746 (VCV000330746.20), dbSNP rs3761701, ClinGen allele CA1831145.